The following is an entry in ClinVar:

NM_001561.6(TNFRSF9):c.501G>A (p.Pro167=)

Gene: TNFRSF9 (TNF receptor superfamily member 9; minus strand). Cytogenetic location: 1p36.23.
Variant type: single nucleotide variant.
Coding change: c.501G>A on transcript NM_001561.6 (MANE Select); coding-DNA position 501, G replaced by A.
Protein change: p.Pro167=; no amino-acid change (proline 167 retained).
Molecular consequence: synonymous variant.
Genome position (GRCh38, 1-based): chr1:7,935,056, C>T on the plus strand (G>A on the coding strand, the complement: TNFRSF9 is on the minus strand). VCF-style: chr1-7935056-C-T. GRCh37 (hg19) VCF-style: chr1-7995116-C-T.
Other names: c.501G>A (NM_001561.5).
Identifiers: ClinVar variation 1552882 (VCV001552882.10), dbSNP rs148554600, ClinGen allele CA569203.

ClinVar aggregate classification (germline): Likely benign. Review status: criteria provided, single submitter (1 of 4 stars). 2 submissions from 2 submitters: Likely benign (1). 1 of the submissions does not count toward it. Last evaluated 2026-01-13.

Conditions:
TNFRSF9-related disorder. Also called: TNFRSF9-related condition.

Allele frequency attached by ClinVar (database versions not stated): ESP Exome Variant Server 0.00062; gnomAD exomes 0.00014; ExAC 0.00015; gnomAD 0.00038 and 0.00041; 1000 Genomes Project 0.00040; 1000 Genomes Project 30x 0.00047; TOPMed 0.00048.
gnomAD v4.1: 222 of 1,614,236 alleles (0.014%); highest among the groups gnomAD compares: African/African-American, 0.13%; no homozygotes.

Submissions (2):

Labcorp Genetics (formerly Invitae), Labcorp
Classification: Likely benign. Last evaluated: 2026-01-13. Review status: criteria provided, single submitter. Criteria: Invitae Variant Classification Sherloc (09022015). Collection method: clinical testing. Allele origin: germline.

PreventionGenetics, part of Exact Sciences
Classification: Likely benign for TNFRSF9-related condition. Last evaluated: 2024-03-12. Review status: no assertion criteria provided. Collection method: clinical testing. Allele origin: germline. Not counted in ClinVar's aggregate classification.
Comment: This variant is classified as likely benign based on ACMG/AMP sequence variant interpretation guidelines (Richards et al. 2015 PMID: 25741868, with internal and published modifications).